The following is an entry in ClinVar:

ClinVar aggregate classification (germline): Likely pathogenic (1 of 4 stars; one submission).

Conditions:
Marfan syndrome (MFS). Also called: MARFAN SYNDROME, TYPE I; Marfan syndrome type 1; Marfan's syndrome; Marfan syndrome, classic; FBN1-Related Marfan Syndrome. Identifiers: Orphanet 284963, Orphanet 558, MedGen C0024796, MONDO:0007947, OMIM 154700.

Submission:

Clinical Biomedical Laboratory, Shriners Hospital For Children - Canada
Classification: Likely pathogenic for Marfan syndrome. Last evaluated: 2025-05-08. Review status: criteria provided, single submitter. Criteria: ACMG Guidelines, 2015. Collection method: clinical testing. Allele origin: germline. Affected: yes.
Comment: This variant leads to a frameshift and introduces a premature stop codon in FBN1. This variant is absent from Genome Aggregation Database (v2.1.1). Variants predicted to introduce termination codons typically lead to loss of function. Loss of function mutations in FBN1 are an established cause of Marfan syndrome (PMID 11700157). Based on the ACMG variant interpretation guidelines, the available evidence supports classification of this variant as likely pathogenic.

Literature cited by the submitters: PubMed 11700157.

NM_000138.5(FBN1):c.3514dup (p.Val1172fs)

Gene: FBN1 (fibrillin 1; minus strand). Cytogenetic location: 15q21.1.
Variant type: Duplication.
Coding change: c.3514dup on transcript NM_000138.5 (MANE Select); coding-DNA position 3514, one base duplicated (G; older notation c.3514dupG).
Protein change: p.Val1172fs; shifts the reading frame from valine 1172.
Molecular consequence: frameshift variant.
Genome position (GRCh38, 1-based): chr15:48,487,150, C duplicated on the plus strand (G on the coding strand, the reverse complement: FBN1 is on the minus strand). VCF-style (leftmost placement, unchanged base first): chr15-48487149-A-AC. GRCh37 (hg19) VCF-style: chr15-48779346-A-AC.
Other names: c.3514dup, p.Val1172fs (NM_001406716.1); short protein forms V1172fs.
Identifiers: ClinVar variation 3899245 (VCV003899245.1).
Genomic context (GRCh38, chr15:48,487,149, plus strand): 5'-CTATCGGGAGTTGAATGGTAGCCAGGGTTGCAGGCACACTGATACTTCCCTATGAGGTTC[A>AC]CGCAACGGCCATTGGGGCACAGGTGTGCACTCAGCTCACATTCATTGATGTCTGTCGGGA-3'